The following is an entry in ClinVar:

ClinVar aggregate classification (germline): Uncertain significance. Review status: criteria provided, multiple submitters, no conflicts (2 of 4 stars). 2 submissions from 2 submitters: Uncertain significance (2). Last evaluated 2026-07-29.

Conditions:
INVS-related disorder. Also called: INVS-related condition.
Inborn genetic diseases. Identifiers: MedGen C0950123, MeSH D030342.

gnomAD v4.1: 44 of 1,613,844 alleles (0.0027%); highest among the groups gnomAD compares: Non-Finnish European, 0.0036%; no homozygotes.

Submissions (2):

PreventionGenetics, part of Exact Sciences
Classification: Uncertain significance for INVS-related condition. Last evaluated: 2026-07-29. Review status: criteria provided, single submitter. Criteria: ACMG Guidelines, 2015. Collection method: clinical testing. Allele origin: germline.
Comment: The INVS c.1334A>G variant is predicted to result in the amino acid substitution p.Asn445Ser. To our knowledge, this variant has not been reported in the literature. This variant is reported in 0.0035% of alleles in individuals of European (Non-Finnish) descent in gnomAD. At this time, the clinical significance of this variant is uncertain due to the absence of conclusive functional and genetic evidence.

Ambry Genetics
Classification: Uncertain significance for Inborn genetic diseases. Last evaluated: 2025-10-30. Review status: criteria provided, single submitter. Criteria: Ambry Variant Classification Scheme 2023. Collection method: clinical testing. Allele origin: germline.

NM_014425.5(INVS):c.1334A>G (p.Asn445Ser)

Gene: INVS (inversin; plus strand). Cytogenetic location: 9q31.1.
Variant type: single nucleotide variant.
Coding change: c.1334A>G on transcript NM_014425.5 (MANE Select); coding-DNA position 1334, A replaced by G.
Protein change: p.Asn445Ser; replaces asparagine 445 with serine.
Molecular consequence: missense variant. On other transcripts: non-coding transcript variant (1).
Genome position (GRCh38, 1-based): chr9:100,253,006, A>G. VCF-style: chr9-100253006-A-G. GRCh37 (hg19) VCF-style: chr9-103015288-A-G.
Other names: c.1046A>G, p.Asn349Ser (NM_001318381.2); c.356A>G, p.Asn119Ser (NM_001318382.2); c.1334A>G (NM_014425.4); short protein forms N445S, N349S, N119S.
Identifiers: ClinVar variation 4622163 (VCV004622163.2).